The following is an entry in ClinVar:

ClinVar aggregate classification (germline): Uncertain significance (1 of 4 stars; one submission).

Submission:

Labcorp Genetics (formerly Invitae), Labcorp
Classification: Uncertain significance. Last evaluated: 2022-07-11. Review status: criteria provided, single submitter. Criteria: Invitae Variant Classification Sherloc (09022015). Collection method: clinical testing. Allele origin: germline.
Comment: ClinVar contains an entry for this variant (Variation ID: 1507184). In summary, the available evidence is currently insufficient to determine the role of this variant in disease. Therefore, it has been classified as a Variant of Uncertain Significance. Algorithms developed to predict the effect of missense changes on protein structure and function are either unavailable or do not agree on the potential impact of this missense change (SIFT: "Deleterious"; PolyPhen-2: "Benign"; Align-GVGD: "Class C15"). This variant has not been reported in the literature in individuals affected with ARHGEF18-related conditions. This variant is not present in population databases (gnomAD no frequency). This sequence change replaces glutamic acid, which is acidic and polar, with alanine, which is neutral and non-polar, at codon 434 of the ARHGEF18 protein (p.Glu434Ala).

NM_001367823.1(ARHGEF18):c.1865A>C (p.Glu622Ala)

Gene: ARHGEF18 (Rho/Rac guanine nucleotide exchange factor 18; plus strand). Cytogenetic location: 19p13.2.
Variant type: single nucleotide variant.
Coding change: c.1865A>C on transcript NM_001367823.1 (MANE Select); coding-DNA position 1865, A replaced by C.
Protein change: p.Glu622Ala; replaces glutamic acid 622 with alanine.
Molecular consequence: missense variant.
Genome position (GRCh38, 1-based): chr19:7,453,476, A>C. VCF-style: chr19-7453476-A-C. GRCh37 (hg19) VCF-style: chr19-7518362-A-C.
Other names: c.1139A>C, p.Glu380Ala (NM_001130955.2); c.827A>C, p.Glu276Ala (NM_001367824.1, NM_015318.4); short protein forms E622A, E276A, E380A.
Identifiers: ClinVar variation 1507184 (VCV001507184.6), dbSNP rs1975628445, ClinGen allele CA403111498.